The following is an entry in ClinVar:

NM_001197104.2(KMT2A):c.5935C>T (p.Arg1979Ter)

Gene: KMT2A (lysine methyltransferase 2A; plus strand). Cytogenetic location: 11q23.3.
Variant type: single nucleotide variant.
Coding change: c.5935C>T on transcript NM_001197104.2 (MANE Select); coding-DNA position 5935, C replaced by T.
Protein change: p.Arg1979Ter; replaces arginine 1979 with a stop codon.
Molecular consequence: nonsense.
Genome position (GRCh38, 1-based): chr11:118,498,502, C>T. VCF-style: chr11-118498502-C-T. GRCh37 (hg19) VCF-style: chr11-118369217-C-T.
Other names: c.5935C>T (NM_001197104.1); c.5926C>T, p.Arg1976Ter (NM_005933.4); short protein forms R1976*, R1979*.
Identifiers: ClinVar variation 1098361 (VCV001098361.6), dbSNP rs2134367981, ClinGen allele CA382798964.

ClinVar aggregate classification (germline): Pathogenic. Review status: criteria provided, multiple submitters, no conflicts (2 of 4 stars). 5 submissions from 5 submitters: Pathogenic (5). Last evaluated 2025-01-29.

Conditions:
Inborn genetic diseases. Identifiers: MedGen C0950123, MeSH D030342.
Wiedemann-Steiner syndrome (WDSTS). Also called: Growth deficiency and mental retardation with facial dysmorphism. Identifiers: Orphanet 319182, MedGen C1854630, MONDO:0011518, OMIM 605130.

Submissions (5):

Ambry Genetics
Classification: Pathogenic for Inborn genetic diseases. Last evaluated: 2025-01-29. Review status: criteria provided, single submitter. Criteria: Ambry Variant Classification Scheme 2023. Collection method: clinical testing. Allele origin: germline.
Comment: The c.5935C>T (p.R1979*) alteration, located in exon 22 (coding exon 22) of the KMT2A gene, consists of a C to T substitution at nucleotide position 5935. This changes the amino acid from an arginine (R) to a stop codon at amino acid position 1979. This alteration is expected to result in loss of function by premature protein truncation or nonsense-mediated mRNA decay. This variant was not reported in population-based cohorts in the Genome Aggregation Database (gnomAD). This variant was reported in individual(s) with features consistent with Wiedemann-Steiner syndrome; in at least one individual, it was determined to be de novo (Giangiobbe, 2020). Note, this variant is also referred to as c.5812C>T (p.R1938*). Based on the available evidence, this alteration is classified as pathogenic.

Victorian Clinical Genetics Services, Murdoch Childrens Research Institute
Classification: Pathogenic for Wiedemann-Steiner syndrome. Last evaluated: 2024-10-01. Review status: criteria provided, single submitter. Criteria: ACMG Guidelines, 2015. Collection method: clinical testing. Allele origin: germline. Affected: yes.
Comment: This variant is classified as Pathogenic. Evidence in support of pathogenic classification: Variant is predicted to cause nonsense-mediated decay (NMD) and loss of protein (premature termination codon is located at least 54 nucleotides upstream of the final exon-exon junction); Variant is absent from gnomAD (v2, v3 and v4); This variant has limited previous evidence of pathogenicity in an unrelated individual(s). This variant has been classified as pathogenic by a clinical laboratory in ClinVar; Other NMD-predicted variant(s) comparable to the one identified in this case have very strong previous evidence for pathogenicity (DECIPHER). Additional information: This variant is heterozygous; This gene is associated with autosomal dominant disease; No published segregation evidence has been identified for this variant; No published functional evidence has been identified for this variant; Loss of function is a known mechanism of disease in this gene and is associated with Wiedemann-Steiner syndrome (MIM#605130); Inheritance information for this variant is not currently available in this individual.

3billion
Classification: Pathogenic for Wiedemann-Steiner syndrome. Last evaluated: 2023-07-11. Review status: criteria provided, single submitter. Criteria: ACMG Guidelines, 2015. Collection method: clinical testing. Allele origin: germline. Affected: yes.
Comment: The variant is not observed in the gnomAD v2.1.1 dataset. Predicted Consequence/Location: Stop-gained (nonsense): predicted to result in a loss or disruption of normal protein function through nonsense-mediated decay (NMD) or protein truncation. Multiple pathogenic variants are reported downstream of the variant. The variant has been reported to be associated with KMT2A related disorder (ClinVar ID: VCV001098361 /PMID: 33043602). Therefore, this variant is classified as Pathogenic according to the recommendation of ACMG/AMP guideline.

Clinical Genomics Laboratory, Stanford Medicine
Classification: Pathogenic for Wiedemann-Steiner syndrome. Last evaluated: 2022-11-29. Review status: criteria provided, single submitter. Criteria: ACMG Guidelines, 2015. Collection method: clinical testing. Allele origin: de novo. Inheritance: Autosomal dominant inheritance. Affected: yes. Observed: 1 variant allele, 1 heterozygote.
Comment: This variant was absent from large population databases, including the Genome Aggregation Database. This variant is present in ClinVar (Accession: VCV001098361.2). This variant leads to a premature stop codon in exon 22 of 36 coding exons, and is therefore predicted to undergo nonsense-mediated decay resulting in a truncated or absent protein. Heterozygous loss of function is an established mechanism of disease for the KMT2A gene. These data were assessed using the ACMG/AMP variant interpretation guidelines. In summary, there is sufficient evidence to classify the p.Arg1979* variant as pathogenic for autosomal dominant Wiedemann-Steiner syndrome based on the information above. [ACMG evidence codes used: PVS1; PS2_Moderate; PM2]

Genetics Laboratory, UDIAT-Centre Diagnòstic, Hospital Universitari Parc Tauli
Classification: Pathogenic. Last evaluated: 2021-04-26. Review status: criteria provided, single submitter. Criteria: Parc Tauli Hospital Assertion Criteria 2021. Collection method: clinical testing. Allele origin: de novo. Inheritance: Autosomal dominant inheritance. Affected: yes. Observed: 1 heterozygote.
Comment: PVS1_very strong;PM2_supporting;PM6_moderate

Literature cited by the submitters: PubMed 33043602 (cited by 3 submitters).